The following is an entry in ClinVar:

NM_004168.4(SDHA):c.1945T>G (p.Leu649Val)

Gene: SDHA (succinate dehydrogenase complex flavoprotein subunit A; plus strand). Cytogenetic location: 5p15.33.
Variant type: single nucleotide variant.
Coding change: c.1945T>G on transcript NM_004168.4 (MANE Select); coding-DNA position 1945, T replaced by G.
Protein change: p.Leu649Val; replaces leucine 649 with valine.
Molecular consequence: missense variant.
Genome position (GRCh38, 1-based): chr5:256,370, T>G. VCF-style: chr5-256370-T-G. GRCh37 (hg19) VCF-style: chr5-256485-T-G.
Other names: c.1801T>G, p.Leu601Val (NM_001294332.2); c.1702T>G, p.Leu568Val (NM_001330758.2); short protein forms L649V, L601V, L568V.
Identifiers: ClinVar variation 1046927 (VCV001046927.12), dbSNP rs1737187966, ClinGen allele CA359002844.

ClinVar aggregate classification (germline): Uncertain significance. Review status: criteria provided, multiple submitters, no conflicts (2 of 4 stars). 2 submissions from 2 submitters: Uncertain significance (2). Last evaluated 2024-11-19.

Conditions:
Mitochondrial complex II deficiency, nuclear type 1. Also called: SUCCINATE CoQ REDUCTASE DEFICIENCY. Identifiers: Orphanet 3208, MedGen C5700310, MONDO:0100294, OMIM 252011.
Pheochromocytoma/paraganglioma syndrome 5. Also called: Paragangliomas 5; SDHA-Related Hereditary Paraganglioma-Pheochromocytoma Syndrome. Identifiers: Orphanet 29072, MedGen C3279992, MONDO:0013602, OMIM 614165.
Hereditary cancer-predisposing syndrome. Also called: Tumor predisposition; Hereditary neoplastic syndrome; Neoplastic Syndromes, Hereditary; Hereditary Cancer Syndrome. Identifiers: Orphanet 140162, MedGen C0027672, MeSH D009386, MONDO:0015356.

Submissions (2):

Ambry Genetics
Classification: Uncertain significance for Hereditary cancer-predisposing syndrome. Last evaluated: 2024-11-19. Review status: criteria provided, single submitter. Criteria: Ambry Variant Classification Scheme 2023. Collection method: clinical testing. Allele origin: germline.
Comment: The p.L649V variant (also known as c.1945T>G), located in coding exon 15 of the SDHA gene, results from a T to G substitution at nucleotide position 1945. The leucine at codon 649 is replaced by valine, an amino acid with highly similar properties. This amino acid position is highly conserved in available vertebrate species. In addition, the in silico prediction for this alteration is inconclusive. Based on the available evidence, the clinical significance of this variant remains unclear.

Labcorp Genetics (formerly Invitae), Labcorp
Classification: Uncertain significance for Pheochromocytoma/paraganglioma syndrome 5; Mitochondrial complex II deficiency, nuclear type 1. Last evaluated: 2022-11-12. Review status: criteria provided, single submitter. Criteria: Invitae Variant Classification Sherloc (09022015). Collection method: clinical testing. Allele origin: germline.
Comment: ClinVar contains an entry for this variant (Variation ID: 1046927). This sequence change replaces leucine, which is neutral and non-polar, with valine, which is neutral and non-polar, at codon 649 of the SDHA protein (p.Leu649Val). This variant is not present in population databases (gnomAD no frequency). This variant has not been reported in the literature in individuals affected with SDHA-related conditions. Advanced modeling of protein sequence and biophysical properties (such as structural, functional, and spatial information, amino acid conservation, physicochemical variation, residue mobility, and thermodynamic stability) performed at Invitae indicates that this missense variant is not expected to disrupt SDHA protein function. In summary, the available evidence is currently insufficient to determine the role of this variant in disease. Therefore, it has been classified as a Variant of Uncertain Significance.